The following is an entry in ClinVar:

NM_000243.3(MEFV):c.1297C>G (p.Leu433Val)

Gene: MEFV (MEFV innate immunity regulator, pyrin; minus strand). Cytogenetic location: 16p13.3.
Variant type: single nucleotide variant.
Coding change: c.1297C>G on transcript NM_000243.3 (MANE Select); coding-DNA position 1297, C replaced by G.
Protein change: p.Leu433Val; replaces leucine 433 with valine.
Molecular consequence: missense variant.
Genome position (GRCh38, 1-based): chr16:3,248,968, G>C on the plus strand (C>G on the coding strand, the complement: MEFV is on the minus strand). VCF-style: chr16-3248968-G-C. GRCh37 (hg19) VCF-style: chr16-3298968-G-C.
Other names: c.664C>G, p.Leu222Val (NM_001198536.2); short protein forms L433V, L222V.
Identifiers: ClinVar variation 663476 (VCV000663476.8), dbSNP rs1596354307, ClinGen allele CA394468268.

ClinVar aggregate classification (germline): Uncertain significance (1 of 4 stars; one submission).

Conditions:
Familial Mediterranean fever (FMF). Also called: POLYSEROSITIS, FAMILIAL PAROXYSMAL; POLYSEROSITIS, RECURRENT; Periodic peritonitis; Benign paroxysmal peritonitis. Identifiers: Orphanet 342, MedGen C0031069, MONDO:0018088, OMIM 249100. Disease mechanism: gain of function.

Submission:

Labcorp Genetics (formerly Invitae), Labcorp
Classification: Uncertain significance for Familial Mediterranean fever. Last evaluated: 2018-12-04. Review status: criteria provided, single submitter. Criteria: Invitae Variant Classification Sherloc (09022015). Collection method: clinical testing. Allele origin: germline.
Comment: This sequence change replaces leucine with valine at codon 433 of the MEFV protein (p.Leu433Val). The leucine residue is weakly conserved and there is a small physicochemical difference between leucine and valine. This variant is not present in population databases (ExAC no frequency). This variant has not been reported in the literature in individuals with MEFV-related conditions. Algorithms developed to predict the effect of missense changes on protein structure and function output the following: SIFT: "Tolerated"; PolyPhen-2: "Possibly Damaging"; Align-GVGD: "Class C0". The valine amino acid residue is found in multiple mammalian species, suggesting that this missense change does not adversely affect protein function. These predictions have not been confirmed by published functional studies and their clinical significance is uncertain. Algorithms developed to predict the effect of sequence changes on RNA splicing suggest that this variant may create or strengthen a splice site, but this prediction has not been confirmed by published transcriptional studies. In summary, the available evidence is currently insufficient to determine the role of this variant in disease. Therefore, it has been classified as a Variant of Uncertain Significance.